The following is an entry in ClinVar:

ClinVar aggregate classification (germline): Uncertain significance (1 of 4 stars; one submission).

Conditions:
Generalized epilepsy-paroxysmal dyskinesia syndrome (PNKD3). Also called: Paroxysmal nonkinesigenic dyskinesia, 3, with or without generalized epilepsy; Generalized epilepsy and paroxysmal dyskinesia. Identifiers: Orphanet 79137, MedGen C5574945, MONDO:0012276, OMIM 609446.

Allele frequency attached by ClinVar (database versions not stated): ExAC 0.00001.
gnomAD v4.1: 1 of 1,614,186 alleles (0.000062%); highest among the groups gnomAD compares: South Asian, 0.0011%; no homozygotes.

Submission:

Labcorp Genetics (formerly Invitae), Labcorp
Classification: Uncertain significance for Generalized epilepsy-paroxysmal dyskinesia syndrome. Last evaluated: 2025-06-12. Review status: criteria provided, single submitter. Criteria: Invitae Variant Classification Sherloc (09022015). Collection method: clinical testing. Allele origin: germline.
Comment: This sequence change replaces valine, which is neutral and non-polar, with methionine, which is neutral and non-polar, at codon 162 of the KCNMA1 protein (p.Val162Met). This variant is present in population databases (rs765794007, gnomAD 0.003%). This variant has not been reported in the literature in individuals affected with KCNMA1-related conditions. ClinVar contains an entry for this variant (Variation ID: 1943561). Invitae Evidence Modeling of protein sequence and biophysical properties (such as structural, functional, and spatial information, amino acid conservation, physicochemical variation, residue mobility, and thermodynamic stability) indicates that this missense variant is not expected to disrupt KCNMA1 protein function with a negative predictive value of 80%. In summary, the available evidence is currently insufficient to determine the role of this variant in disease. Therefore, it has been classified as a Variant of Uncertain Significance.

NM_001161352.2(KCNMA1):c.484G>A (p.Val162Met)

Gene: KCNMA1 (potassium calcium-activated channel subfamily M alpha 1; minus strand). Cytogenetic location: 10q22.3.
Variant type: single nucleotide variant.
Coding change: c.484G>A on transcript NM_001161352.2 (MANE Select); coding-DNA position 484, G replaced by A.
Protein change: p.Val162Met; replaces valine 162 with methionine.
Molecular consequence: missense variant. On other transcripts: intron variant (1).
Genome position (GRCh38, 1-based): chr10:77,403,918, C>T on the plus strand (G>A on the coding strand, the complement: KCNMA1 is on the minus strand). VCF-style: chr10-77403918-C-T. GRCh37 (hg19) VCF-style: chr10-79163676-C-T.
Other names: c.484G>A, p.Val162Met (NM_001014797.3, NM_001161353.2, NM_001271519.2 and 8 more transcripts); c.379-152662G>A (NM_001271518.2); short protein forms V162M.
Identifiers: ClinVar variation 1943561 (VCV001943561.5), dbSNP rs765794007, ClinGen allele CA5568688.